The following is an entry in ClinVar:

NM_000535.7(PMS2):c.2148C>G (p.Thr716=)

Gene: PMS2 (PMS1 homolog 2, mismatch repair system component; minus strand). Cytogenetic location: 7p22.1.
Variant type: single nucleotide variant.
Coding change: c.2148C>G on transcript NM_000535.7 (MANE Select); coding-DNA position 2148, C replaced by G.
Protein change: p.Thr716=; no amino-acid change (threonine 716 retained).
Molecular consequence: synonymous variant. On other transcripts: non-coding transcript variant (1).
Genome position (GRCh38, 1-based): chr7:5,982,850, G>C on the plus strand (C>G on the coding strand, the complement: PMS2 is on the minus strand). VCF-style: chr7-5982850-G-C. GRCh37 (hg19) VCF-style: chr7-6022481-G-C.
Other names: c.1743C>G, p.Thr581= (NM_001322003.2, NM_001322004.2, NM_001322005.2 and 1 more transcripts); c.1992C>G, p.Thr664= (NM_001322006.2); c.1830C>G, p.Thr610= (NM_001322007.2, NM_001322008.2); c.1587C>G, p.Thr529= (NM_001322010.2); c.1215C>G, p.Thr405= (NM_001322011.2, NM_001322012.2); c.1575C>G, p.Thr525= (NM_001322013.2); c.2148C>G, p.Thr716= (NM_001322014.2); c.1839C>G, p.Thr613= (NM_001322015.2).
Identifiers: ClinVar variation 1122761 (VCV001122761.14), dbSNP rs748404138, ClinGen allele CA453643009.
Genomic context (GRCh38, chr7:5,982,850, plus strand): 5'-GGGGAGTCTGGGAATGAACACTAAACACACTCACGCTATGAGCCTCTGCCCCTGGAGCAC[G>C]GTGTGCTGCTGCAGCATCTCGAAGTTATACTTCTCGTCCGTGGCATGCTGGTCCACTATG-3'
Protein context (NP_000526.2, residues 706-726): KYNFEMLQQH[Thr716=]VLQGQRLIAP

ClinVar aggregate classification (germline): Benign/Likely benign. Review status: criteria provided, multiple submitters, no conflicts (2 of 4 stars). 4 submissions from 4 submitters: Benign (1); Likely benign (3). Last evaluated 2025-06-20.

Conditions:
Lynch syndrome 4 (LYNCH4). Also called: Colorectal cancer, hereditary nonpolyposis, type 4; Hereditary non-polyposis colorectal cancer, type 4. Identifiers: Orphanet 144, MedGen C1838333, MONDO:0013699, OMIM 614337. Disease mechanism: loss of function.
Hereditary cancer-predisposing syndrome. Also called: Hereditary neoplastic syndrome; Neoplastic Syndromes, Hereditary; Tumor predisposition; Hereditary Cancer Syndrome. Identifiers: Orphanet 140162, MedGen C0027672, MeSH D009386, MONDO:0015356.
Hereditary nonpolyposis colorectal neoplasms. Identifiers: MedGen C0009405, MeSH D003123.

Allele frequency attached by ClinVar (database versions not stated): TOPMed below 0.00001.

Submissions (4):

Labcorp Genetics (formerly Invitae), Labcorp
Classification: Likely benign for Hereditary nonpolyposis colorectal neoplasms. Last evaluated: 2025-06-20. Review status: criteria provided, single submitter. Criteria: Invitae Variant Classification Sherloc (09022015). Collection method: clinical testing. Allele origin: germline.

Myriad Genetics, Inc.
Classification: Benign for Lynch syndrome 4. Last evaluated: 2025-02-03. Review status: criteria provided, single submitter. Criteria: Myriad Autosomal Dominant, Autosomal Recessive and X-Linked Classification Criteria (2023). Collection method: clinical testing. Allele origin: unknown.
Comment: This variant is considered benign. This variant is a silent/synonymous amino acid change and it is not expected to impact splicing.

Color Diagnostics, LLC DBA Color Health
Classification: Likely benign for Hereditary cancer-predisposing syndrome. Last evaluated: 2023-06-26. Review status: criteria provided, single submitter. Criteria: ACMG Guidelines, 2015. Collection method: clinical testing. Allele origin: germline.

Ambry Genetics
Classification: Likely benign for Hereditary cancer-predisposing syndrome. Last evaluated: 2018-02-06. Review status: criteria provided, single submitter. Criteria: Ambry Variant Classification Scheme 2023. Collection method: clinical testing. Allele origin: germline.